The following is an entry in ClinVar:

ClinVar aggregate classification (germline): Pathogenic. Review status: criteria provided, multiple submitters, no conflicts (2 of 4 stars). 5 submissions from 5 submitters: Pathogenic (4). 1 of the submissions does not count toward it. Last evaluated 2025-11-03.

Conditions:
PCDH15-related disorder. Also called: PCDH15-related disorders; PCDH15-related condition.
Autosomal recessive nonsyndromic hearing loss 23. Identifiers: Orphanet 90636, MedGen C1836027, MONDO:0012293, OMIM 609533.
Usher syndrome type 1F (USH1F). Also called: USHER SYNDROME, TYPE IF. Identifiers: Orphanet 231169, Orphanet 886, MedGen C1865885, MONDO:0011186, OMIM 602083.

Allele frequency attached by ClinVar (database versions not stated): TOPMed 0.00001.

Submissions (5):

Natera, Inc.
Classification: Pathogenic for Usher syndrome type 1F. Last evaluated: 2025-11-03. Review status: criteria provided, single submitter. Criteria: Natera Variant Classification Schema (03/2026). Collection method: clinical testing. Allele origin: germline.
Comment: The c.274C>T variant in PCDH15 is a nonsense variant predicted to introduce a stop codon at amino acid 92. This variant is expected to result in nonsense mediated decay, truncation, or a dysfunctional protein product. This variant is rare in the general population with a frequency below the threshold expected for the associated phenotype(s). This variant has been observed in one or more individuals affected with the associated recessive disease, as either homozygous or compound heterozygous with a second variant (PMID: 26791358). Given the available evidence, this variant is classified as Pathogenic.

Labcorp Genetics (formerly Invitae), Labcorp
Classification: Pathogenic. Last evaluated: 2023-04-15. Review status: criteria provided, single submitter. Criteria: Invitae Variant Classification Sherloc (09022015). Collection method: clinical testing. Allele origin: germline.
Comment: For these reasons, this variant has been classified as Pathogenic. ClinVar contains an entry for this variant (Variation ID: 555038). This variant is also known as c.289C>T (p.Q97X). This premature translational stop signal has been observed in individual(s) with childhood-onset deafness (PMID: 26791358). In at least one individual the data is consistent with being in trans (on the opposite chromosome) from a pathogenic variant. This variant is not present in population databases (gnomAD no frequency). This sequence change creates a premature translational stop signal (p.Gln92*) in the PCDH15 gene. It is expected to result in an absent or disrupted protein product. Loss-of-function variants in PCDH15 are known to be pathogenic (PMID: 11398101, 11487575, 14570705).

3billion
Classification: Pathogenic for Autosomal recessive nonsyndromic hearing loss 23. Last evaluated: 2022-01-03. Review status: criteria provided, single submitter. Criteria: ACMG Guidelines, 2015. Collection method: clinical testing. Allele origin: germline. Affected: yes. Observed: 1 homozygote.
Comment: Stop-gained (nonsense): predicted to result in a loss or disruption of normal protein function through nonsense-mediated decay (NMD) or protein truncation. Multiple pathogenic variants are reported downstream of the variant (PVS1_VS).The variant has been reported at least twice as pathogenic/likely pathogenic with clinical assertions and evidence for the classification (ClinVar ID: VCV000555038, PMID:26791358). It is not observed in the gnomAD v2.1.1 dataset (PM2_M). Therefore, this variant is classified as pathogenic according to the recommendation of ACMG/AMP guideline.

Blueprint Genetics
Classification: Pathogenic for PCDH15-related disorders. Last evaluated: 2018-08-31. Review status: criteria provided, single submitter. Criteria: ACMG Guidelines, 2015. Collection method: clinical testing. Allele origin: germline. Affected: yes. Observed: 1 variant allele.

Counsyl
Classification: Likely pathogenic for Usher syndrome type 1F. Last evaluated: 2017-11-12. Review status: no assertion criteria provided. Collection method: clinical testing. Allele origin: unknown. Not counted in ClinVar's aggregate classification.

Literature cited by the submitters: PubMed 26791358 (cited by 4 submitters); PubMed 11398101 (cited by Labcorp Genetics (formerly Invitae), Labcorp); PubMed 11487575 (cited by Labcorp Genetics (formerly Invitae), Labcorp); PubMed 14570705 (cited by Labcorp Genetics (formerly Invitae), Labcorp).

NM_001384140.1(PCDH15):c.274C>T (p.Gln92Ter)

Gene: PCDH15 (protocadherin related 15; minus strand). Cytogenetic location: 10q21.1.
Variant type: single nucleotide variant.
Coding change: c.274C>T on transcript NM_001384140.1 (MANE Select); coding-DNA position 274, C replaced by T.
Protein change: p.Gln92Ter; replaces glutamine 92 with a stop codon.
Molecular consequence: nonsense.
Genome position (GRCh38, 1-based): chr10:54,378,826, G>A on the plus strand (C>T on the coding strand, the complement: PCDH15 is on the minus strand). VCF-style: chr10-54378826-G-A. GRCh37 (hg19) VCF-style: chr10-56138586-G-A.
Other names: c.289C>T, p.Gln97Ter (NM_001142763.2, NM_001142769.4, NM_001142771.2); c.274C>T, p.Gln92Ter (NM_001142764.2, NM_001142765.2, NM_001142766.2 and 8 more transcripts); c.208C>T, p.Gln70Ter (NM_001142768.2, NM_001142773.2, NM_001354404.2); short protein forms Q92*, Q97*, Q70*.
Identifiers: ClinVar variation 555038 (VCV000555038.9), dbSNP rs143842048, ClinGen allele CA376540495.